The following is an entry in ClinVar:

ClinVar aggregate classification (germline): Uncertain significance (1 of 4 stars; one submission).

Conditions:
Hereditary cancer-predisposing syndrome. Also called: Hereditary Cancer Syndrome; Hereditary neoplastic syndrome; Neoplastic Syndromes, Hereditary; Tumor predisposition. Identifiers: Orphanet 140162, MedGen C0027672, MeSH D009386, MONDO:0015356.

Submission:

Ambry Genetics
Classification: Uncertain significance for Hereditary cancer-predisposing syndrome. Last evaluated: 2022-02-10. Review status: criteria provided, single submitter. Criteria: Ambry Variant Classification Scheme 2023. Collection method: clinical testing. Allele origin: germline.
Comment: The p.Q481H variant (also known as c.1443G>T), located in coding exon 8 of the SMARCA4 gene, results from a G to T substitution at nucleotide position 1443. The glutamine at codon 481 is replaced by histidine, an amino acid with highly similar properties. This amino acid position is highly conserved in available vertebrate species. In addition, the in silico prediction for this alteration is inconclusive. Missense and in-frame variants in SMARCA4 are known to cause neurodevelopmental disorders; however, such associations with rhabdoid tumor predisposition syndrome including small cell carcinoma of the ovary-hypercalcemic type (SCCOHT) are exceedingly rare (Kosho T et al. Am J Med Genet C Semin Med Genet. 2014 Sep;166C(3):262-75; Jelinic P et al. Nat Genet. 2014 May;46(5):424-6). Based on the supporting evidence, the association of this alteration with Coffin-Siris syndrome is unknown; however, the association of this alteration with rhabdoid tumor predisposition syndrome is unlikely.

NM_003072.5(SMARCA4):c.1443G>T (p.Gln481His)

Gene: SMARCA4 (SWI/SNF related BAF chromatin remodeling complex subunit ATPase 4; plus strand). Cytogenetic location: 19p13.2.
Variant type: single nucleotide variant.
Coding change: c.1443G>T on transcript NM_003072.5 (MANE Select); coding-DNA position 1443, G replaced by T.
Protein change: p.Gln481His; replaces glutamine 481 with histidine.
Molecular consequence: missense variant. On other transcripts: non-coding transcript variant (1).
Genome position (GRCh38, 1-based): chr19:10,994,851, G>T. VCF-style: chr19-10994851-G-T. GRCh37 (hg19) VCF-style: chr19-11105527-G-T.
Other names: c.1443G>T, p.Gln481His (NM_001128844.3, NM_001128845.2, NM_001128846.2 and 6 more transcripts); short protein forms Q481H.
Identifiers: ClinVar variation 1772753 (VCV001772753.2), dbSNP rs2145937785, ClinGen allele CA404061992.